The following is an entry in ClinVar:

ClinVar aggregate classification (germline): Uncertain significance (1 of 4 stars; one submission).

Conditions:
Nephronophthisis 18 (NPHP18). Identifiers: Orphanet 655, MedGen C3890591, MONDO:0014374, OMIM 615862.

Submission:

Labcorp Genetics (formerly Invitae), Labcorp
Classification: Uncertain significance for Nephronophthisis 18. Last evaluated: 2019-12-24. Review status: criteria provided, single submitter. Criteria: Invitae Variant Classification Sherloc (09022015). Collection method: clinical testing. Allele origin: germline.
Comment: Algorithms developed to predict the effect of missense changes on protein structure and function are either unavailable or do not agree on the potential impact of this missense change (SIFT: "Not Available"; PolyPhen-2: "Probably Damaging"; Align-GVGD: "Not Available"). This variant has not been reported in the literature in individuals with CEP83-related conditions. This variant is not present in population databases (ExAC no frequency). This sequence change replaces glutamine with arginine at codon 255 of the CEP83 protein (p.Gln255Arg). The glutamine residue is highly conserved and there is a small physicochemical difference between glutamine and arginine. In summary, the available evidence is currently insufficient to determine the role of this variant in disease. Therefore, it has been classified as a Variant of Uncertain Significance.

NM_016122.3(CEP83):c.764A>G (p.Gln255Arg)

Gene: CEP83 (centrosomal protein 83; minus strand). Cytogenetic location: 12q22.
Variant type: single nucleotide variant.
Coding change: c.764A>G on transcript NM_016122.3 (MANE Select); coding-DNA position 764, A replaced by G.
Protein change: p.Gln255Arg; replaces glutamine 255 with arginine.
Molecular consequence: missense variant. On other transcripts: non-coding transcript variant (3).
Genome position (GRCh38, 1-based): chr12:94,378,828, T>C on the plus strand (A>G on the coding strand, the complement: CEP83 is on the minus strand). VCF-style: chr12-94378828-T-C. GRCh37 (hg19) VCF-style: chr12-94772604-T-C.
Other names: c.764A>G, p.Gln255Arg (NM_001042399.2, NM_001346457.2, NM_001346460.2 and 3 more transcripts); c.452A>G, p.Gln151Arg (NM_001346458.2, NM_001346459.2, NM_001346462.2 and 2 more transcripts); c.539A>G, p.Gln180Arg (NM_001368041.1); c.227A>G, p.Gln76Arg (NM_001368042.1); short protein forms Q151R, Q255R, Q180R, Q76R.
Identifiers: ClinVar variation 858621 (VCV000858621.8), dbSNP rs2061685409, ClinGen allele CA386146668.
Genomic context (GRCh38, chr12:94,378,828, plus strand): 5'-CTGGGAAGTAATTAGAATCTTACCTCCAGGGATCTGACTGTAGCCTGCATCTCAGCCAAC[T>C]GCCGCACCTGTATTCTTTGGGCATTTTCCACCTGAGCCTCAGAATTCTCCTTTTCAGCCT-3'
Protein context (NP_057206.2, residues 245-265): VENAQRIQVR[Gln255Arg]LAEMQATVRS